The following is an entry in ClinVar:

ClinVar aggregate classification (germline): Uncertain significance (1 of 4 stars; one submission).

Allele frequency attached by ClinVar (database versions not stated): ExAC 0.00002.
gnomAD v4.1: 35 of 1,613,866 alleles (0.0022%); highest among the groups gnomAD compares: Non-Finnish European, 0.0029%; no homozygotes.

Submission:

Labcorp Genetics (formerly Invitae), Labcorp
Classification: Uncertain significance. Last evaluated: 2022-02-24. Review status: criteria provided, single submitter. Criteria: Invitae Variant Classification Sherloc (09022015). Collection method: clinical testing. Allele origin: germline.
Comment: This sequence change replaces leucine, which is neutral and non-polar, with valine, which is neutral and non-polar, at codon 1131 of the C2CD3 protein (p.Leu1131Val). In summary, the available evidence is currently insufficient to determine the role of this variant in disease. Therefore, it has been classified as a Variant of Uncertain Significance. Algorithms developed to predict the effect of missense changes on protein structure and function (SIFT, PolyPhen-2, Align-GVGD) all suggest that this variant is likely to be disruptive. This variant has not been reported in the literature in individuals affected with C2CD3-related conditions. This variant is present in population databases (rs763520995, gnomAD 0.004%).

NM_001286577.2(C2CD3):c.3391T>G (p.Leu1131Val)

Gene: C2CD3 (C2 domain containing 3 centriole elongation regulator; minus strand). Cytogenetic location: 11q13.4.
Variant type: single nucleotide variant.
Coding change: c.3391T>G on transcript NM_001286577.2 (MANE Select); coding-DNA position 3391, T replaced by G.
Protein change: p.Leu1131Val; replaces leucine 1131 with valine.
Molecular consequence: missense variant.
Genome position (GRCh38, 1-based): chr11:74,092,542, A>C on the plus strand (T>G on the coding strand, the complement: C2CD3 is on the minus strand). VCF-style: chr11-74092542-A-C. GRCh37 (hg19) VCF-style: chr11-73803587-A-C.
Other names: c.3391T>G, p.Leu1131Val (NM_015531.6); short protein forms L1131V.
Identifiers: ClinVar variation 1979992 (VCV001979992.4), dbSNP rs763520995, ClinGen allele CA6182405.